The following is an entry in ClinVar:

ClinVar aggregate classification (germline): Benign; association. Review status: no assertion criteria provided (0 of 4 stars). 2 submissions from 2 submitters: Benign (1). Last evaluated 2022-07-05.

Conditions:
Pulmonary disease, chronic obstructive, susceptibility to. Identifiers: MedGen C3838076, MONDO:0100167.
CYP2C8-related disorder. Also called: CYP2C8-related condition.

Allele frequency attached by ClinVar (database versions not stated): 1000 Genomes Project 0.04573; 1000 Genomes Project 30x 0.04778; TOPMed 0.07777; gnomAD 0.07896 and 0.08111; ExAC 0.08263; gnomAD exomes 0.08343; ESP Exome Variant Server 0.08542.
gnomAD v4.1: 166,562 of 1,613,204 alleles (10%); highest among the groups gnomAD compares: Middle Eastern, 12%; 9,719 homozygotes.

Submissions (2):

Pneumogenomics Laboratory, Instituto Nacional de Enfermedades Respiratorias Ismael Cosio Villegas
Classification: association for Susceptibility to chronic obstructive pulmonary disease. Last evaluated: 2022-07-05. Review status: no assertion criteria provided. Collection method: research. Allele origin: germline. Affected: yes.

PreventionGenetics, part of Exact Sciences
Classification: Benign for CYP2C8-related condition. Last evaluated: 2019-10-29. Review status: no assertion criteria provided. Collection method: clinical testing. Allele origin: germline.
Comment: This variant is classified as benign based on ACMG/AMP sequence variant interpretation guidelines (Richards et al. 2015 PMID: 25741868, with internal and published modifications).

NM_000770.3(CYP2C8):c.1196A>G (p.Lys399Arg)

Gene: CYP2C8 (cytochrome P450 family 2 subfamily C member 8; minus strand). Cytogenetic location: 10q23.33.
Variant type: single nucleotide variant.
Coding change: c.1196A>G on transcript NM_000770.3 (MANE Select); coding-DNA position 1196, A replaced by G.
Protein change: p.Lys399Arg; replaces lysine 399 with arginine.
Molecular consequence: missense variant.
Genome position (GRCh38, 1-based): chr10:95,038,992, T>C on the plus strand (A>G on the coding strand, the complement: CYP2C8 is on the minus strand). VCF-style: chr10-95038992-T-C. GRCh37 (hg19) VCF-style: chr10-96798749-T-C.
Other names: c.986A>G, p.Lys329Arg (NM_001198853.1, NM_001198855.1); c.890A>G, p.Lys297Arg (NM_001198854.1); short protein forms K399R, K297R, K329R.
Identifiers: ClinVar variation 375654 (VCV000375654.5), dbSNP rs10509681, ClinGen allele CA5617527.
Genomic context (GRCh38, chr10:95,038,992, plus strand): 5'-AAGTTGCCATTCTTATCTAGAAAGTGGCCAGGGTCAAAGATATTTGGATTAGGAAATTCT[T>C]TGTCATCATGTAGCACGGAAGTCAGTAATGCCATTATGGTTGTGCCCTGGAAGTAACAAA-3'
Protein context (NP_000761.3, residues 389-409): ALLTSVLHDD[Lys399Arg]EFPNPNIFDP